The following is an entry in ClinVar:

ClinVar aggregate classification (germline): Uncertain significance (1 of 4 stars; one submission).

Conditions:
Pitt-Hopkins syndrome (PTHS). Also called: ENCEPHALOPATHY, SEVERE EPILEPTIC, WITH AUTONOMIC DYSFUNCTION; MENTAL RETARDATION, SYNDROMAL, WITH INTERMITTENT HYPERVENTILATION. Identifiers: Orphanet 2896, MedGen C1970431, MONDO:0012589, OMIM 610954.

Submission:

Labcorp Genetics (formerly Invitae), Labcorp
Classification: Uncertain significance for Pitt-Hopkins syndrome. Last evaluated: 2025-07-07. Review status: criteria provided, single submitter. Criteria: Invitae Variant Classification Sherloc (09022015). Collection method: clinical testing. Allele origin: germline.
Comment: This sequence change replaces leucine, which is neutral and non-polar, with proline, which is neutral and non-polar, at codon 579 of the TCF4 protein (p.Leu579Pro). This variant is not present in population databases (gnomAD no frequency). This variant has not been reported in the literature in individuals affected with TCF4-related conditions. ClinVar contains an entry for this variant (Variation ID: 2699156). Invitae Evidence Modeling of protein sequence and biophysical properties (such as structural, functional, and spatial information, amino acid conservation, physicochemical variation, residue mobility, and thermodynamic stability) has been performed for this missense variant. However, the output from this modeling did not meet the statistical confidence thresholds required to predict the impact of this variant on TCF4 protein function. In summary, the available evidence is currently insufficient to determine the role of this variant in disease. Therefore, it has been classified as a Variant of Uncertain Significance.

NM_001083962.2(TCF4):c.1736T>C (p.Leu579Pro)

Gene: TCF4 (transcription factor 4; minus strand). Cytogenetic location: 18q21.2.
Variant type: single nucleotide variant.
Coding change: c.1736T>C on transcript NM_001083962.2 (MANE Select); coding-DNA position 1736, T replaced by C.
Protein change: p.Leu579Pro; replaces leucine 579 with proline.
Molecular consequence: missense variant.
Genome position (GRCh38, 1-based): chr18:55,228,990, A>G on the plus strand (T>C on the coding strand, the complement: TCF4 is on the minus strand). VCF-style: chr18-55228990-A-G. GRCh37 (hg19) VCF-style: chr18-52896221-A-G.
Other names: c.1334T>C, p.Leu445Pro (NM_001348212.2, NM_001243233.2); c.1346T>C, p.Leu449Pro (NM_001348213.2, NM_001330605.3); c.1241T>C, p.Leu414Pro (NM_001348214.2); c.1088T>C, p.Leu363Pro (NM_001348215.2); c.1256T>C, p.Leu419Pro (NM_001348216.2, NM_001243234.2); c.1664T>C, p.Leu555Pro (NM_001348217.1, NM_001348218.2, NM_001243227.2 and 1 more transcripts); c.1652T>C, p.Leu551Pro (NM_001348219.2, NM_001306207.1, NM_001369582.1 and 1 more transcripts); c.1649T>C, p.Leu550Pro (NM_001348220.1, NM_001369584.1, NM_001369585.1); and 14 more; short protein forms L445P, L508P, L537P, L578P, L579P, L363P, L414P, L504P.
Identifiers: ClinVar variation 2699156 (VCV002699156.3), dbSNP rs2511498896, ClinGen allele CA402528906.
Genomic context (GRCh38, chr18:55,228,990, plus strand): 5'-AGGTGGAGCTGCACCATGCGGCCGAGCTCTTTGAAAGCCTCGTTGATGTCACGGACCCGC[A>G]GACGCTCTCGGGCATTGTTGGCCATCCTCCGCTCCTTCTCACGCTCTGCCTTCTGCTCTG-3'
Protein context (NP_001077431.1, residues 569-589): RRMANNARER[Leu579Pro]RVRDINEAFK